The following is an entry in ClinVar:

ClinVar aggregate classification (germline): Pathogenic (1 of 4 stars; one submission).

Conditions:
Ataxia-telangiectasia syndrome (AT). Also called: Ataxia-telangiectasia, complementation group E; LOUIS-BAR SYNDROME; Ataxia-telangiectasia, complementation group D; AT, COMPLEMENTATION GROUP C; Ataxia-telangiectasia; Cerebello-oculocutaneous telangiectasia. Identifiers: Orphanet 100, MedGen C0004135, MONDO:0008840, OMIM 208900.

Submission:

Labcorp Genetics (formerly Invitae), Labcorp
Classification: Pathogenic for Ataxia-telangiectasia syndrome. Last evaluated: 2020-11-14. Review status: criteria provided, single submitter. Criteria: Invitae Variant Classification Sherloc (09022015). Collection method: clinical testing. Allele origin: germline.
Comment: This sequence change affects an acceptor splice site in intron 21 of the ATM gene. RNA analysis indicates that this variant induces altered splicing and may result in an absent or disrupted protein product. This variant is not present in population databases (ExAC no frequency). Disruption of this splice site has been observed in individual(s) with esophageal cancer (PMID: 31263571) and clinical features of ataxia-telangiectasia (PMID: 10980530, 24422204). Studies have shown that disruption of this splice site is associated with utilization of a cryptic splice site in intron 21, which introduces a frameshift (PMID: 24422204). The resulting mRNA is expected to undergo nonsense-mediated decay. For these reasons, this variant has been classified as Pathogenic.

Literature cited by the submitters: PubMed 31263571; PubMed 10980530; PubMed 24422204.

NM_000051.4(ATM):c.3154-2A>T

Gene: ATM (ATM serine/threonine kinase; plus strand). Cytogenetic location: 11q22.3.
Variant type: single nucleotide variant.
Coding change: c.3154-2A>T on transcript NM_000051.4 (MANE Select); the canonical splice acceptor site of the intron before coding-DNA position 3154, A replaced by T.
Molecular consequence: splice acceptor variant.
Genome position (GRCh38, 1-based): chr11:108,272,720, A>T. VCF-style: chr11-108272720-A-T. GRCh37 (hg19) VCF-style: chr11-108143447-A-T.
Other names: c.3154-2A>T (NM_001351834.2).
Identifiers: ClinVar variation 1455646 (VCV001455646.8), dbSNP rs730881357, ClinGen allele CA382515466.